The following is an entry in ClinVar:

ClinVar aggregate classification (germline): Uncertain significance. Review status: criteria provided, multiple submitters, no conflicts (2 of 4 stars). 2 submissions from 2 submitters: Uncertain significance (2). Last evaluated 2026-08-04.

Conditions:
Inborn genetic diseases. Identifiers: MedGen C0950123, MeSH D030342.

Submissions (2):

Ambry Genetics
Classification: Uncertain significance for Inborn genetic diseases. Last evaluated: 2026-08-04. Review status: criteria provided, single submitter. Criteria: Ambry Variant Classification Scheme 2023. Collection method: clinical testing. Allele origin: germline.
Comment: The c.1013C>T (p.S338L) alteration is located in exon 8 (coding exon 8) of the DEAF1 gene. This alteration results from a C to T substitution at nucleotide position 1013, causing the serine (S) at amino acid position 338 to be replaced by a leucine (L). Based on data from gnomAD, the T allele has an overall frequency of <0.001% (0/250258) total alleles studied. The highest observed frequency was <0.001% (/) of alleles. Based on insufficient or conflicting evidence, the clinical significance of this alteration remains unclear.

GeneDx
Classification: Uncertain significance. Last evaluated: 2021-04-15. Review status: criteria provided, single submitter. Criteria: GeneDx Variant Classification Process June 2021. Collection method: clinical testing. Allele origin: germline. Affected: yes.
Comment: In silico analysis supports that this missense variant does not alter protein structure/function; Has not been previously published as pathogenic or benign to our knowledge

NM_021008.4(DEAF1):c.1013C>T (p.Ser338Leu)

Gene: DEAF1 (DEAF1 transcription factor; minus strand). Cytogenetic location: 11p15.5.
Variant type: single nucleotide variant.
Coding change: c.1013C>T on transcript NM_021008.4 (MANE Select); coding-DNA position 1013, C replaced by T.
Protein change: p.Ser338Leu; replaces serine 338 with leucine.
Molecular consequence: missense variant.
Genome position (GRCh38, 1-based): chr11:679,801, G>A on the plus strand (C>T on the coding strand, the complement: DEAF1 is on the minus strand). VCF-style: chr11-679801-G-A. GRCh37 (hg19) VCF-style: chr11-679801-G-A.
Other names: c.746C>T, p.Ser249Leu (NM_001293634.2); c.287C>T, p.Ser96Leu (NM_001367390.1); short protein forms S249L, S338L, S96L.
Identifiers: ClinVar variation 1314589 (VCV001314589.3), dbSNP rs1357548937, ClinGen allele CA378926624.